The following is an entry in ClinVar:

ClinVar aggregate classification (germline): Uncertain significance (1 of 4 stars; one submission).

Conditions:
Deficiency of aromatic-L-amino-acid decarboxylase. Also called: Aromatic amino acid decarboxylase deficiency; Aromatic L-Amino Acid Decarboxylase Deficiency; AADC DEFICIENCY; DDC DEFICIENCY; DOPA DECARBOXYLASE DEFICIENCY. Identifiers: Orphanet 35708, MedGen C1291564, MONDO:0012084, OMIM 608643.

Submission:

Labcorp Genetics (formerly Invitae), Labcorp
Classification: Uncertain significance for Deficiency of aromatic-L-amino-acid decarboxylase. Last evaluated: 2022-02-14. Review status: criteria provided, single submitter. Criteria: Invitae Variant Classification Sherloc (09022015). Collection method: clinical testing. Allele origin: germline.
Comment: In summary, the available evidence is currently insufficient to determine the role of this variant in disease. Therefore, it has been classified as a Variant of Uncertain Significance. Algorithms developed to predict the effect of missense changes on protein structure and function are either unavailable or do not agree on the potential impact of this missense change (SIFT: "Deleterious"; PolyPhen-2: "Probably Damaging"; Align-GVGD: "Class C0"). This variant has not been reported in the literature in individuals affected with DDC-related conditions. This variant is not present in population databases (gnomAD no frequency). This sequence change replaces methionine, which is neutral and non-polar, with threonine, which is neutral and polar, at codon 89 of the DDC protein (p.Met89Thr).

NM_001082971.2(DDC):c.266T>C (p.Met89Thr)

Genes: DDC (dopa decarboxylase; minus strand), DDC-AS1 (DDC antisense RNA 1; plus strand). Cytogenetic location: 7p12.1.
Variant type: single nucleotide variant.
Coding change: c.266T>C on transcript NM_001082971.2 (MANE Select); coding-DNA position 266, T replaced by C.
Protein change: p.Met89Thr; replaces methionine 89 with threonine.
Molecular consequence: missense variant. On other transcripts: non-coding transcript variant (1), intron variant (2).
Genome position (GRCh38, 1-based): chr7:50,539,964, A>G on the plus strand (T>C on the coding strand, the complement: DDC is on the minus strand). VCF-style: chr7-50539964-A-G. GRCh37 (hg19) VCF-style: chr7-50607662-A-G.
Other names: c.266T>C, p.Met89Thr (NM_000790.4, NM_001242887.2, NM_001242889.2 and 1 more transcripts); c.201+3921T>C (NM_001242888.2); c.202-1985T>C (NM_001242886.2); short protein forms M89T.
Identifiers: ClinVar variation 2097574 (VCV002097574.3), dbSNP rs2535490464, ClinGen allele CA367529676.